The following is an entry in ClinVar:

ClinVar aggregate classification (germline): Conflicting classifications of pathogenicity. Review status: criteria provided, conflicting classifications (1 of 4 stars). 9 submissions from 9 submitters: Uncertain significance (8); Likely benign (1). Last evaluated 2026-06-09.

Conditions:
Hypertrophic cardiomyopathy 26. Also called: Cardiomyopathy, familial hypertrophic, 26. Identifiers: Orphanet 75249, MedGen C4310749, MONDO:0014883, OMIM 617047.
Myofibrillar myopathy 5. Also called: Filaminopathy (type); FILAMINOPATHY, AUTOSOMAL DOMINANT. Identifiers: Orphanet 171445, MedGen C1836050, MONDO:0012289, OMIM 609524.
Distal myopathy with posterior leg and anterior hand involvement. Also called: WILLIAMS DISTAL MYOPATHY. Identifiers: Orphanet 63273, MedGen C3279722, MONDO:0013550, OMIM 614065.
Cardiovascular phenotype. Identifiers: MedGen CN230736.
FLNC-related disorder. Also called: FLNC-related condition; FLNC-related disorders.

Allele frequency attached by ClinVar (database versions not stated): ExAC 0.00002; gnomAD 0.00002; gnomAD exomes 0.00003 and 0.00004; TOPMed 0.00005.
gnomAD v4.1: 47 of 1,613,894 alleles (0.0029%); highest among the groups gnomAD compares: Non-Finnish European, 0.004%; no homozygotes.

Submissions (9):

PreventionGenetics, part of Exact Sciences
Classification: Uncertain significance for FLNC-related condition. Last evaluated: 2026-06-09. Review status: criteria provided, single submitter. Criteria: ACMG Guidelines, 2015. Collection method: clinical testing. Allele origin: germline.
Comment: The FLNC c.449A>G variant is predicted to result in the amino acid substitution p.Asp150Gly. This variant has been reported in individuals with hypertrophic cardiomyopathy, congenital myopathy, or arrhythmogenic cardiomyopathy (Table S2, van Lint et al. 2019. PubMed ID: 30847666; Table S2, Westra et al. 2019. PubMed ID: 31127727; Verdonschot et al. 2020. PubMed ID: 32112656). This variant is reported in 0.0079% of alleles in individuals of European (Non-Finnish) descent in gnomAD. At this time, the clinical significance of this variant is uncertain due to the absence of conclusive functional and genetic evidence.

Women's Health and Genetics/Laboratory Corporation of America, LabCorp
Classification: Uncertain significance. Last evaluated: 2026-04-20. Review status: criteria provided, single submitter. Criteria: LabCorp Variant Classification Summary - May 2015. Collection method: clinical testing. Allele origin: germline.
Comment: Variant summary: FLNC c.449A>G (p.Asp150Gly) results in a non-conservative amino acid change in the encoded protein sequence. Algorithms developed to predict the effect of missense changes on protein structure and function are either unavailable or do not agree on the potential impact of this missense change. The variant allele was found at a frequency of 3.6e-05 in 250424 control chromosomes. The available data on variant occurrences in the general population are insufficient to allow any conclusion about variant significance. c.449A>G has been observed in individual(s) affected with congenital myopathy and arrhythmogenic cardiomyopathy (Westra_2019, Verdonschot_2020). These report(s) do not provide unequivocal conclusions about association of the variant with Dilated Cardiomyopathy. To our knowledge, no experimental evidence demonstrating an impact on protein function has been reported. The following publications have been ascertained in the context of this evaluation (PMID: 31127727, 32112656). ClinVar contains an entry for this variant (Variation ID: 472068). Based on the evidence outlined above, the variant was classified as uncertain significance.

Labcorp Genetics (formerly Invitae), Labcorp
Classification: Uncertain significance for Distal myopathy with posterior leg and anterior hand involvement; Myofibrillar myopathy 5; Hypertrophic cardiomyopathy 26. Last evaluated: 2026-01-16. Review status: criteria provided, single submitter. Criteria: Invitae Variant Classification Sherloc (09022015). Collection method: clinical testing. Allele origin: germline.
Comment: This sequence change replaces aspartic acid, which is acidic and polar, with glycine, which is neutral and non-polar, at codon 150 of the FLNC protein (p.Asp150Gly). This variant is present in population databases (rs760711912, gnomAD 0.007%). This missense change has been observed in individual(s) with arrythmogenic cardiomyopathy and congenital myopathy (PMID: 31127727, 32112656). ClinVar contains an entry for this variant (Variation ID: 472068). Invitae Evidence Modeling of protein sequence and biophysical properties (such as structural, functional, and spatial information, amino acid conservation, physicochemical variation, residue mobility, and thermodynamic stability) has been performed for this missense variant. However, the output from this modeling did not meet the statistical confidence thresholds required to predict the impact of this variant on FLNC protein function. In summary, the available evidence is currently insufficient to determine the role of this variant in disease. Therefore, it has been classified as a Variant of Uncertain Significance.

Ambry Genetics
Classification: Uncertain significance for Cardiovascular phenotype. Last evaluated: 2025-09-04. Review status: criteria provided, single submitter. Criteria: Ambry Variant Classification Scheme 2023. Collection method: clinical testing. Allele origin: germline.
Comment: The p.D150G variant (also known as c.449A>G), located in coding exon 2 of the FLNC gene, results from an A to G substitution at nucleotide position 449. The aspartic acid at codon 150 is replaced by glycine, an amino acid with similar properties. In one cohort study, this variant has been detected in individuals reported to have hypertrophic cardiomyopathy and arrhythmogenic right ventricular cardiomyopathy; however, clinical details were limited, reports may overlap, and this variant co-occurred with variants in other cardiomyopathy-related genes in some cases (van Lint FHM et al. Neth Heart J, 2019 Jun;27:304-309; Verdonschot JAJ et al. Hum Mutat, 2020 Jun;41:1091-1111). This variant has also been detected in an individual reported to have congenital myopathy (Westra D. J Neuromuscul Dis. 2019 ;6(2):241-258). This amino acid position is highly conserved in available vertebrate species. In addition, this alteration is predicted to be tolerated by in silico analysis. Since supporting evidence is limited at this time, the clinical significance of this alteration remains unclear.

CeGaT Center for Human Genetics Tuebingen
Classification: Uncertain significance. Last evaluated: 2025-09-01. Review status: criteria provided, single submitter. Criteria: CeGaT Center For Human Genetics Tuebingen Variant Classification Criteria Version 2. Collection method: clinical testing. Allele origin: germline. Affected: yes. Observed: 1 variant allele.
Comment: FLNC: PM2:Supporting

Revvity Omics, Revvity
Classification: Uncertain significance. Last evaluated: 2025-05-27. Review status: criteria provided, single submitter. Criteria: ACMG Guidelines, 2015. Collection method: clinical testing. Allele origin: germline.

Blueprint Genetics
Classification: Likely benign. Last evaluated: 2024-10-22. Review status: criteria provided, single submitter. Criteria: ACMG Guidelines, 2015. Collection method: clinical testing. Allele origin: germline.

Mayo Clinic Laboratories, Mayo Clinic
Classification: Uncertain significance. Last evaluated: 2024-06-04. Review status: criteria provided, single submitter. Criteria: ACMG Guidelines, 2015. Collection method: clinical testing. Allele origin: germline. Observed: 1 variant allele.

GeneDx
Classification: Uncertain significance. Last evaluated: 2022-04-14. Review status: criteria provided, single submitter. Criteria: GeneDx Variant Classification Process June 2021. Collection method: clinical testing. Allele origin: germline. Affected: yes.
Comment: In silico analysis supports that this missense variant does not alter protein structure/function; Reported in association with congenital myopathy and arrhythmogenic cardiomyopathy (Westra et al., 2019; Verdonschot et al., 2020); This variant is associated with the following publications: (PMID: 31127727, 32112656)

Literature cited by the submitters: PubMed 31127727 (cited by 3 submitters); PubMed 32112656 (cited by 4 submitters); PubMed 30847666 (cited by Ambry Genetics); PubMed 37937776 (cited by Mayo Clinic Laboratories, Mayo Clinic).

NM_001458.5(FLNC):c.449A>G (p.Asp150Gly)

Gene: FLNC (filamin C; plus strand). Cytogenetic location: 7q32.1.
Variant type: single nucleotide variant.
Coding change: c.449A>G on transcript NM_001458.5 (MANE Select); coding-DNA position 449, A replaced by G.
Protein change: p.Asp150Gly; replaces aspartic acid 150 with glycine.
Molecular consequence: missense variant.
Genome position (GRCh38, 1-based): chr7:128,835,422, A>G. VCF-style: chr7-128835422-A-G. GRCh37 (hg19) VCF-style: chr7-128475476-A-G.
Other names: p.Asp150Gly; c.449A>G, p.Asp150Gly (NM_001127487.2); short protein forms D150G.
Identifiers: ClinVar variation 472068 (VCV000472068.27), dbSNP rs760711912, ClinGen allele CA4474036.
Genomic context (GRCh38, chr7:128,835,422, plus strand): 5'-TCCTGGGCCTGATCTGGACGCTGATCCTGCACTACTCCATCTCCATGCCCATGTGGGAGG[A>G]TGAAGATGATGAGGATGCCCGCAAACAGACGCCCAAGCAGCGGCTGCTTGGCTGGATCCA-3'
Protein context (NP_001449.3, residues 140-160): HYSISMPMWE[Asp150Gly]EDDEDARKQT